The following is an entry in ClinVar:

NM_003072.5(SMARCA4):c.1255G>C (p.Glu419Gln)

Gene: SMARCA4 (SWI/SNF related BAF chromatin remodeling complex subunit ATPase 4; plus strand). Cytogenetic location: 19p13.2.
Variant type: single nucleotide variant.
Coding change: c.1255G>C on transcript NM_003072.5 (MANE Select); coding-DNA position 1255, G replaced by C.
Protein change: p.Glu419Gln; replaces glutamic acid 419 with glutamine.
Molecular consequence: missense variant. On other transcripts: non-coding transcript variant (1).
Genome position (GRCh38, 1-based): chr19:10,991,159, G>C. VCF-style: chr19-10991159-G-C. GRCh37 (hg19) VCF-style: chr19-11101835-G-C.
Other names: c.1255G>C, p.Glu419Gln (NM_001128844.3, NM_001128845.2, NM_001128846.2 and 5 more transcripts); short protein forms E419Q.
Identifiers: ClinVar variation 656761 (VCV000656761.8), dbSNP rs1600022414, ClinGen allele CA404060495.

ClinVar aggregate classification (germline): Uncertain significance (1 of 4 stars; one submission).

Conditions:
Rhabdoid tumor predisposition syndrome 2 (RTPS2). Identifiers: Orphanet 231108, Orphanet 69077, MedGen C2750074, MONDO:0013224, OMIM 613325.

Submission:

Labcorp Genetics (formerly Invitae), Labcorp
Classification: Uncertain significance for Rhabdoid tumor predisposition syndrome 2. Last evaluated: 2018-09-29. Review status: criteria provided, single submitter. Criteria: Invitae Variant Classification Sherloc (09022015). Collection method: clinical testing. Allele origin: germline.
Comment: This variant has not been reported in the literature in individuals with SMARCA4-related disease. Algorithms developed to predict the effect of missense changes on protein structure and function are either unavailable or do not agree on the potential impact of this missense change (SIFT: "Deleterious"; PolyPhen-2: "Probably Damaging"; Align-GVGD: "Class C0"). In summary, the available evidence is currently insufficient to determine the role of this variant in disease. Therefore, it has been classified as a Variant of Uncertain Significance. This variant is not present in population databases (ExAC no frequency). This sequence change replaces glutamic acid with glutamine at codon 419 of the SMARCA4 protein (p.Glu419Gln). The glutamic acid residue is highly conserved and there is a small physicochemical difference between glutamic acid and glutamine.